The following is an entry in ClinVar:

ClinVar aggregate classification (germline): Likely benign (1 of 4 stars; one submission).

Conditions:
VPS8-related disorder. Also called: VPS8-related condition.

gnomAD v4.1: 1 of 1,612,602 alleles (0.000062%); highest among the groups gnomAD compares: Non-Finnish European, 0.000085%; no homozygotes.

Submission:

PreventionGenetics, part of Exact Sciences
Classification: Likely benign for VPS8-related condition. Last evaluated: 2025-09-06. Review status: criteria provided, single submitter. Criteria: ACMG Guidelines, 2015. Collection method: clinical testing. Allele origin: germline.
Comment: This variant is classified as likely benign based on ACMG/AMP sequence variant interpretation guidelines (Richards et al. 2015 PMID: 25741868, with internal and published modifications).

NM_001009921.3(VPS8):c.3108G>A (p.Leu1036=)

Gene: VPS8 (VPS8 subunit of CORVET complex; plus strand). Cytogenetic location: 3q27.2.
Variant type: single nucleotide variant.
Coding change: c.3108G>A on transcript NM_001009921.3 (MANE Select); coding-DNA position 3108, G replaced by A.
Protein change: p.Leu1036=; no amino-acid change (leucine 1036 retained).
Molecular consequence: synonymous variant. On other transcripts: non-coding transcript variant (1).
Genome position (GRCh38, 1-based): chr3:184,957,446, G>A. VCF-style: chr3-184957446-G-A. GRCh37 (hg19) VCF-style: chr3-184675234-G-A.
Other names: c.3108G>A, p.Leu1036= (NM_001349292.2, NM_001349293.2, NM_001349294.2 and 1 more transcripts); c.3069G>A, p.Leu1023= (NM_001349296.2); c.1389G>A, p.Leu463= (NM_001349297.2); c.1308G>A, p.Leu436= (NM_001349298.2); c.3102G>A, p.Leu1034= (NM_015303.4).
Identifiers: ClinVar variation 4991262 (VCV004991262.1).
Genomic context (GRCh38, chr3:184,957,446, plus strand): 5'-TGTAAATCAAGAATTACTGCAAATATCTCCTTGTATCACAGAGCAGTTCATTGAGCTGTT[G>A]TGTCAGTTCAACCCAACCCAAGTTATAGAGACTCTGCAAGTCCTTGAGTGCTACCGTCTG-3'
Protein context (NP_001009921.1, residues 1026-1046): PCITEQFIEL[Leu1036=]CQFNPTQVIE